The following is an entry in ClinVar:

NM_001136191.3(KANK2):c.416C>T (p.Ala139Val)

Gene: KANK2 (KN motif and ankyrin repeat domains 2; minus strand). Cytogenetic location: 19p13.2.
Variant type: single nucleotide variant.
Coding change: c.416C>T on transcript NM_001136191.3 (MANE Select); coding-DNA position 416, C replaced by T.
Protein change: p.Ala139Val; replaces alanine 139 with valine.
Molecular consequence: missense variant.
Genome position (GRCh38, 1-based): chr19:11,193,664, G>A on the plus strand (C>T on the coding strand, the complement: KANK2 is on the minus strand). VCF-style: chr19-11193664-G-A. GRCh37 (hg19) VCF-style: chr19-11304340-G-A.
Other names: c.416C>T, p.Ala139Val (NM_001329451.2, NM_001379548.1, NM_001379549.1 and 15 more transcripts); short protein forms A139V.
Identifiers: ClinVar variation 2201005 (VCV002201005.4), dbSNP rs201796712, ClinGen allele CA9206073.
Genomic context (GRCh38, chr19:11,193,664, plus strand): 5'-AGGGAGGCTGTCGAGCCGGCCGCACTGGGGGTCAGGGAGCCCAGGCCGGTGGGTGTGGCC[G>A]CCTGGTCCTCGAGACGGCGACGGGCATCCAGCAGCGTGCGCTCCACCCGCGGATTGAAGC-3'
Protein context (NP_001129663.1, residues 129-149): LDARRRLEDQ[Ala139Val]ATPTGLGSLT

ClinVar aggregate classification (germline): Uncertain significance (1 of 4 stars; one submission).

Submission:

Labcorp Genetics (formerly Invitae), Labcorp
Classification: Uncertain significance. Last evaluated: 2023-01-24. Review status: criteria provided, single submitter. Criteria: Invitae Variant Classification Sherloc (09022015). Collection method: clinical testing. Allele origin: germline.
Comment: Algorithms developed to predict the effect of missense changes on protein structure and function are either unavailable or do not agree on the potential impact of this missense change (SIFT: "Tolerated"; PolyPhen-2: "Possibly Damaging"; Align-GVGD: "Class C0"). In summary, the available evidence is currently insufficient to determine the role of this variant in disease. Therefore, it has been classified as a Variant of Uncertain Significance. This variant has not been reported in the literature in individuals affected with KANK2-related conditions. This variant is present in population databases (rs201796712, gnomAD 0.02%). This sequence change replaces alanine, which is neutral and non-polar, with valine, which is neutral and non-polar, at codon 139 of the KANK2 protein (p.Ala139Val).